The following is an entry in ClinVar:

ClinVar aggregate classification (germline): Uncertain significance (0 of 4 stars; one submission).

Conditions:
PLXNA4-related disorder. Also called: PLXNA4-related condition.

gnomAD v4.1: 2 of 1,614,022 alleles (0.00012%); highest among the groups gnomAD compares: African/African-American, 0.0027%; no homozygotes.

Submission:

PreventionGenetics, part of Exact Sciences
Classification: Uncertain significance for PLXNA4-related condition. Last evaluated: 2024-03-23. Review status: no assertion criteria provided. Collection method: clinical testing. Allele origin: germline.
Comment: The PLXNA4 c.3073A>G variant is predicted to result in the amino acid substitution p.Arg1025Gly. To our knowledge, this variant has not been reported in the literature or in a large population database, indicating this variant is rare. At this time, the clinical significance of this variant is uncertain due to the absence of conclusive functional and genetic evidence.

NM_020911.2(PLXNA4):c.3073A>G (p.Arg1025Gly)

Gene: PLXNA4 (plexin A4; minus strand). Cytogenetic location: 7q32.3.
Variant type: single nucleotide variant.
Coding change: c.3073A>G on transcript NM_020911.2 (MANE Select); coding-DNA position 3073, A replaced by G.
Protein change: p.Arg1025Gly; replaces arginine 1025 with glycine.
Molecular consequence: missense variant.
Genome position (GRCh38, 1-based): chr7:132,185,384, T>C on the plus strand (A>G on the coding strand, the complement: PLXNA4 is on the minus strand). VCF-style: chr7-132185384-T-C. GRCh37 (hg19) VCF-style: chr7-131870143-T-C.
Other names: c.3073A>G, p.Arg1025Gly (NM_001393897.1); short protein forms R1025G.
Identifiers: ClinVar variation 3357971 (VCV003357971.1).
Genomic context (GRCh38, chr7:132,185,384, plus strand): 5'-TCCGCACGATGGTGGGGTCTTCCACATACTGAAAGACCAGGTCCTGGTGGATCTTGGCCC[T>C]GTCCACCTGCACCGACACCTTCATCTCTAGCACCTCATCTGAGGATGTGGTGTTGCAGAC-3'
Protein context (NP_065962.1, residues 1015-1035): LEMKVSVQVD[Arg1025Gly]AKIHQDLVFQ